The following is an entry in ClinVar:

ClinVar aggregate classification (germline): Uncertain significance (1 of 4 stars; one submission).

Allele frequency attached by ClinVar (database versions not stated): gnomAD exomes below 0.00001.
gnomAD v4.1: 2 of 1,550,170 alleles (0.00013%); highest among the groups gnomAD compares: Non-Finnish European, 0.00017%; no homozygotes.

Submission:

GeneDx
Classification: Uncertain significance. Last evaluated: 2019-06-14. Review status: criteria provided, single submitter. Criteria: GeneDx Variant Classification Process June 2021. Collection method: clinical testing. Allele origin: germline. Affected: yes.
Comment: Not observed in large population cohorts (Lek et al., 2016); The majority of missense variants in this gene are considered pathogenic (Stenson et al., 2014); In silico analysis, which includes protein predictors and evolutionary conservation, supports a deleterious effect; Has not been previously published as pathogenic or benign to our knowledge; This substitution is predicted to be in the cytoplasmic loop between the first and second homologous domains

NM_001165963.4(SCN1A):c.2178A>T (p.Glu726Asp)

Gene: SCN1A (sodium voltage-gated channel alpha subunit 1; minus strand). Cytogenetic location: 2q24.3.
Variant type: single nucleotide variant.
Coding change: c.2178A>T on transcript NM_001165963.4 (MANE Select); coding-DNA position 2178, A replaced by T.
Protein change: p.Glu726Asp; replaces glutamic acid 726 with aspartic acid.
Molecular consequence: missense variant. On other transcripts: 5 prime UTR variant (1), non-coding transcript variant (1).
Genome position (GRCh38, 1-based): chr2:166,041,468, T>A on the plus strand (A>T on the coding strand, the complement: SCN1A is on the minus strand). VCF-style: chr2-166041468-T-A. GRCh37 (hg19) VCF-style: chr2-166897978-T-A.
Other names: c.2094A>T, p.Glu698Asp (NM_001165964.3, NM_001353957.2, NM_001353958.2); c.2178A>T, p.Glu726Asp (NM_001202435.3, NM_001353948.2); c.2145A>T, p.Glu715Asp (NM_001353949.2, NM_001353950.2, NM_001353951.2 and 2 more transcripts); c.2142A>T, p.Glu714Asp (NM_001353954.2, NM_001353955.2); c.2091A>T, p.Glu697Asp (NM_001353960.2); c.-281A>T (NM_001353961.2); short protein forms E697D, E698D, E714D, E715D, E726D.
Identifiers: ClinVar variation 1306486 (VCV001306486.2), dbSNP rs1697170377, ClinGen allele CA349065371.